The following is an entry in ClinVar:

ClinVar aggregate classification (germline): Conflicting classifications of pathogenicity. Review status: criteria provided, conflicting classifications (1 of 4 stars). 2 submissions from 2 submitters: Uncertain significance (1); Benign (1). Last evaluated 2023-10-01.

Submissions (2):

CeGaT Center for Human Genetics Tuebingen
Classification: Uncertain significance. Last evaluated: 2023-10-01. Review status: criteria provided, single submitter. Criteria: CeGaT Center For Human Genetics Tuebingen Variant Classification Criteria Version 2. Collection method: clinical testing. Allele origin: germline. Affected: yes. Observed: 1 variant allele.
Comment: SOX10: PM2, BP4

Labcorp Genetics (formerly Invitae), Labcorp
Classification: Benign. Last evaluated: 2022-10-19. Review status: criteria provided, single submitter. Criteria: Invitae Variant Classification Sherloc (09022015). Collection method: clinical testing. Allele origin: germline.

NM_006941.4(SOX10):c.1109C>T (p.Thr370Ile)

Genes: POLR2F (RNA polymerase II, I and III subunit F; plus strand), SOX10 (SRY-box transcription factor 10; minus strand). Cytogenetic location: 22q13.1.
Variant type: single nucleotide variant.
Coding change: c.1109C>T on transcript NM_006941.4 (MANE Select); coding-DNA position 1109, C replaced by T.
Protein change: p.Thr370Ile; replaces threonine 370 with isoleucine.
Molecular consequence: missense variant. On other transcripts: intron variant (3).
Genome position (GRCh38, 1-based): chr22:37,973,787, G>A on the plus strand (C>T on the coding strand, the complement: SOX10 is on the minus strand). VCF-style: chr22-37973787-G-A. GRCh37 (hg19) VCF-style: chr22-38369794-G-A.
Other names: c.*38+1477G>A (NM_001363825.1); c.293+6617G>A (NM_001301130.2, NM_001301131.2); short protein forms T370I.
Identifiers: ClinVar variation 1962296 (VCV001962296.27), dbSNP rs2518041799, ClinGen allele CA411490825.